The following is an entry in ClinVar:

ClinVar aggregate classification (germline): Uncertain significance (1 of 4 stars; one submission).

Allele frequency attached by ClinVar (database versions not stated): ESP Exome Variant Server 0.00023.

Submission:

Labcorp Genetics (formerly Invitae), Labcorp
Classification: Uncertain significance. Last evaluated: 2022-08-03. Review status: criteria provided, single submitter. Criteria: Invitae Variant Classification Sherloc (09022015). Collection method: clinical testing. Allele origin: germline.
Comment: This sequence change replaces arginine, which is basic and polar, with proline, which is neutral and non-polar, at codon 650 of the SLC9A3 protein (p.Arg650Pro). This variant is present in population databases (rs373185294, gnomAD 0.07%). This variant has not been reported in the literature in individuals affected with SLC9A3-related conditions. ClinVar contains an entry for this variant (Variation ID: 1416955). Algorithms developed to predict the effect of missense changes on protein structure and function are either unavailable or do not agree on the potential impact of this missense change (SIFT: "Not Available"; PolyPhen-2: "Benign"; Align-GVGD: "Not Available"). In summary, the available evidence is currently insufficient to determine the role of this variant in disease. Therefore, it has been classified as a Variant of Uncertain Significance.

NM_004174.4(SLC9A3):c.1949G>C (p.Arg650Pro)

Genes: SLC9A3 (solute carrier family 9 member A3), SLC9A3-AS1 (SLC9A3 antisense RNA 1; plus strand). Cytogenetic location: 5p15.33.
Variant type: single nucleotide variant.
Coding change: c.1949G>C on transcript NM_004174.4 (MANE Select); coding-DNA position 1949, G replaced by C.
Protein change: p.Arg650Pro; replaces arginine 650 with proline.
Molecular consequence: missense variant. On other transcripts: non-coding transcript variant (1).
Genome position (GRCh38, 1-based): chr5:476,320, C>G on the plus strand (G>C on the coding strand, the complement: SLC9A3 is on the minus strand). VCF-style: chr5-476320-C-G. GRCh37 (hg19) VCF-style: chr5-476435-C-G.
Other names: c.1922G>C, p.Arg641Pro (NM_001284351.3); short protein forms R650P, R641P.
Identifiers: ClinVar variation 1416955 (VCV001416955.5), dbSNP rs373185294, ClinGen allele CA3175629.
Genomic context (GRCh38, chr5:476,320, plus strand): 5'-CCCAGCTTGGTCGACTTGAAGGACTCCAGGCGCTTCCGCATGGTCCTGTGGAAGATTTCC[C>G]GGTCCTGTTTCTCGTCCTCCGTGGGCGTGAGCTCGTGTCGGCTGTACAGATGCTTGTACT-3'
Protein context (NP_004165.2, residues 640-660): LTPTEDEKQD[Arg650Pro]EIFHRTMRKR